The following is an entry in ClinVar:

ClinVar aggregate classification (germline): Pathogenic. Review status: criteria provided, multiple submitters, no conflicts (2 of 4 stars). 3 submissions from 3 submitters: Pathogenic (2). 1 of the submissions does not count toward it. Last evaluated 2021-12-01.

Conditions:
Proteinuria, chronic benign. Identifiers: MedGen C5394384, MONDO:0030042, OMIM 618884.
Imerslund-Grasbeck syndrome type 1 (IGS1). Also called: MEGALOBLASTIC ANEMIA, 1; Imerslund-Gräsbeck syndrome 1; Megaloblastic anemia 1, Finnish type. Identifiers: MedGen C4016819, MONDO:0100156, OMIM 261100.
Imerslund-Grasbeck syndrome. Also called: ENTEROCYTE COBALAMIN MALABSORPTION; ENTEROCYTE INTRINSIC FACTOR RECEPTOR, DEFECT OF; PERNICIOUS ANEMIA, JUVENILE, DUE TO SELECTIVE INTESTINAL MALABSORPTION OF VITAMIN B12, WITH PROTEINURIA; Megaloblastic anemia due to inborn errors of metabolism; Imerslund-Gräsbeck syndrome. Identifiers: Orphanet 35858, MedGen C4551825, MONDO:0009853.

Allele frequency attached by ClinVar (database versions not stated): TOPMed 0.00001.
gnomAD v4.1: 8 of 1,611,828 alleles (0.0005%); highest among the groups gnomAD compares: African/African-American, 0.0013%; no homozygotes.

Submissions (3):

Fulgent Genetics
Classification: Pathogenic for Imerslund-Grasbeck syndrome type 1; Proteinuria, chronic benign. Last evaluated: 2021-12-01. Review status: criteria provided, single submitter. Criteria: ACMG Guidelines, 2015. Collection method: clinical testing. Allele origin: unknown.

Labcorp Genetics (formerly Invitae), Labcorp
Classification: Pathogenic for Imerslund-Grasbeck syndrome. Last evaluated: 2020-06-24. Review status: criteria provided, single submitter. Criteria: Invitae Variant Classification Sherloc (09022015). Collection method: clinical testing. Allele origin: germline.
Comment: For these reasons, this variant has been classified as Pathogenic. Loss-of-function variants in CUBN are known to be pathogenic (PMID: 15024727, 22929189). This variant has been observed in an individual with clinical features of Imerslund-Gräsbeck syndrome (PMID: 22929189). ClinVar contains an entry for this variant (Variation ID: 56331). This variant is not present in population databases (ExAC no frequency). This sequence change creates a premature translational stop signal (p.Cys891*) in the CUBN gene. It is expected to result in an absent or disrupted protein product.

Juha Muilu Group; Institute for Molecular Medicine Finland (FIMM)
Classification: Likely pathogenic for Megaloblastic anemia due to inborn errors of metabolism. Review status: no assertion criteria provided. Collection method: not provided. Allele origin: unknown. Not counted in ClinVar's aggregate classification.
Comment: FinDis database variant: This variant was not found or characterized by our laboratory, data were collected from public sources: see reference
ClinVar note: Converted during submission from probable-pathogenic to Likely pathogenic.

Literature cited by the submitters: PubMed 15024727 (cited by Labcorp Genetics (formerly Invitae), Labcorp); PubMed 22929189 (cited by Labcorp Genetics (formerly Invitae), Labcorp).

NM_001081.4(CUBN):c.2673C>A (p.Cys891Ter)

Gene: CUBN (cubilin; minus strand). Cytogenetic location: 10p13.
Variant type: single nucleotide variant.
Coding change: c.2673C>A on transcript NM_001081.4 (MANE Select); coding-DNA position 2673, C replaced by A.
Protein change: p.Cys891Ter; replaces cysteine 891 with a stop codon.
Molecular consequence: nonsense.
Genome position (GRCh38, 1-based): chr10:17,068,723, G>T on the plus strand (C>A on the coding strand, the complement: CUBN is on the minus strand). VCF-style: chr10-17068723-G-T. GRCh37 (hg19) VCF-style: chr10-17110722-G-T.
Other names: short protein forms C891*.
Identifiers: ClinVar variation 56331 (VCV000056331.10), dbSNP rs386833778, ClinGen allele CA144271.